The following is an entry in ClinVar:

NM_000051.4(ATM):c.5443_5474dup (p.Leu1826fs)

Gene: ATM (ATM serine/threonine kinase; plus strand). Cytogenetic location: 11q22.3.
Variant type: Duplication.
Coding change: c.5443_5474dup on transcript NM_000051.4 (MANE Select); coding-DNA positions 5443 to 5474, 32 bases duplicated.
Protein change: p.Leu1826fs; shifts the reading frame from leucine 1826.
Molecular consequence: frameshift variant.
Genome position (GRCh38, 1-based): chr11:108,302,976-108,303,007, 32 bases duplicated. GRCh37 (hg19): chr11:108,173,703-108,173,734.
Other names: c.5443_5474dup, p.Leu1826fs (NM_001351834.2); short protein forms L1826fs.
Identifiers: ClinVar variation 825737 (VCV000825737.4), dbSNP rs1591712726, ClinGen allele CA915947630.

ClinVar aggregate classification (germline): Pathogenic (1 of 4 stars; one submission).

Conditions:
Hereditary cancer-predisposing syndrome. Also called: Neoplastic Syndromes, Hereditary; Tumor predisposition; Hereditary neoplastic syndrome; Hereditary Cancer Syndrome. Identifiers: Orphanet 140162, MedGen C0027672, MeSH D009386, MONDO:0015356.

Submission:

Ambry Genetics
Classification: Pathogenic for Hereditary cancer-predisposing syndrome. Last evaluated: 2019-10-10. Review status: criteria provided, single submitter. Criteria: Ambry Variant Classification Scheme 2023. Collection method: clinical testing. Allele origin: germline.
Comment: The c.5443_5474dup32 pathogenic mutation, located in coding exon 35 of the ATM gene, results from a duplication of GACAGTGGAGGCACAAAATGTGAAATTCTTCA at nucleotide position 5443, causing a translational frameshift with a predicted alternate stop codon (p.L1826Tfs*13). This alteration is expected to result in loss of function by premature protein truncation or nonsense-mediated mRNA decay. As such, this alteration is interpreted as a disease-causing mutation.